The following is an entry in ClinVar:

NM_000232.5(SGCB):c.9_14del (p.Ala8_Ala9del)

Genes: SGCB (sarcoglycan beta; minus strand), LOC129992585 (ATAC-STARR-seq lymphoblastoid silent region 15421; plus strand). Cytogenetic location: 4q12.
Variant type: Deletion.
Coding change: c.9_14del on transcript NM_000232.5 (MANE Select); coding-DNA positions 9 to 14, 6 bases deleted (AGCGGC; older notation c.9_14delAGCGGC).
Protein change: p.Ala8_Ala9del.
Molecular consequence: inframe indel (on NM_000232.4).
Genome position (GRCh38, 1-based): chr4:52,038,246-52,038,251, GCCGCT deleted on the plus strand (AGCGGC on the coding strand, the reverse complement: SGCB is on the minus strand); deleting any 6 consecutive bases within chr4:52,038,246-52,038,256 gives the same sequence; the c. name uses the placement nearest the transcript's 3' end. VCF-style (leftmost placement, unchanged base first): chr4-52038245-CGCCGCT-C. GRCh37 (hg19) VCF-style: chr4-52904411-CGCCGCT-C.
Other names: c.4_9delGCGGCA, p.Ala8_Ala9del (NM_000232.4).
Identifiers: ClinVar variation 4061314 (VCV004061314.2).
Genomic context (GRCh38, chr4:52,038,245, plus strand): 5'-CCCCCGCTCCTCCAGCCCGCGGCCGCGGCGGTACTCACAGACCTGTTCTGCAGCCGCCGC[CGCCGCT>C]GCCGCCATCTTCCCGCGCCCGCCGCCGCCGAGCTCCCCGCCCGACTGTGCCCGCCCCTCC-3'

ClinVar aggregate classification (germline): Uncertain significance. Review status: criteria provided, single submitter (1 of 4 stars). 2 submissions from 2 submitters: Uncertain significance (1). 1 of the submissions does not count toward it. Last evaluated 2026-08-31.

Conditions:
Autosomal recessive limb-girdle muscular dystrophy type 2E (LGMDR4). Also called: MUSCULAR DYSTROPHY, LIMB-GIRDLE, AUTOSOMAL RECESSIVE 4. Identifiers: Orphanet 119, MedGen C1858593, MONDO:0011423, OMIM 604286. Disease mechanism: Affects gamma-sarcoglycan and also disrupts the integrity of the entire sarcoglycan complex..

Submissions (2):

Myriad Genetics, Inc.
Classification: Uncertain significance for Autosomal recessive limb-girdle muscular dystrophy type 2E. Last evaluated: 2026-08-31. Review status: criteria provided, single submitter. Criteria: Myriad Autosomal Dominant, Autosomal Recessive and X-Linked Classification Criteria (2023). Collection method: clinical testing. Allele origin: unknown.
Comment: NM_000232.4(SGCB):c.9_14del6(A8_A9del) is an in-frame deletion classified as a variant of uncertain significance in the context of beta-sarcoglycanopathy. A8_A9del has not been observed in cases with relevant disease. Relevant functional assessments of this variant are not available in the literature. A8_A9del has not been observed in referenced population frequency databases. In summary, there is insufficient evidence to classify NM_000232.4(SGCB):c.9_14del6(A8_A9del) as pathogenic or benign. Please note: this variant was assessed in the context of healthy population screening.

Natera, Inc.
Classification: Uncertain significance for Limb-girdle muscular dystrophy type 2E. Last evaluated: 2025-03-10. Review status: no assertion criteria provided. Collection method: clinical testing. Allele origin: germline. Not counted in ClinVar's aggregate classification.